The following is an entry in ClinVar:

ClinVar aggregate classification (germline): Uncertain significance. Review status: criteria provided, multiple submitters, no conflicts (2 of 4 stars). 3 submissions from 3 submitters: Uncertain significance (3). Last evaluated 2026-01-12.

Conditions:
Cardiovascular phenotype. Identifiers: MedGen CN230736.
Hereditary cancer-predisposing syndrome. Also called: Neoplastic Syndromes, Hereditary; Hereditary Cancer Syndrome; Tumor predisposition; Hereditary neoplastic syndrome. Identifiers: Orphanet 140162, MedGen C0027672, MeSH D009386, MONDO:0015356.

Submissions (3):

Labcorp Genetics (formerly Invitae), Labcorp
Classification: Uncertain significance. Last evaluated: 2026-01-12. Review status: criteria provided, single submitter. Criteria: Invitae Variant Classification Sherloc (09022015). Collection method: clinical testing. Allele origin: germline.
Comment: This sequence change replaces glutamine, which is neutral and polar, with arginine, which is basic and polar, at codon 653 of the LZTR1 protein (p.Gln653Arg). This variant is not present in population databases (gnomAD no frequency). This variant has not been reported in the literature in individuals affected with LZTR1-related conditions. ClinVar contains an entry for this variant (Variation ID: 2445777). Invitae Evidence Modeling of protein sequence and biophysical properties (such as structural, functional, and spatial information, amino acid conservation, physicochemical variation, residue mobility, and thermodynamic stability) indicates that this missense variant is not expected to disrupt LZTR1 protein function with a negative predictive value of 80%. In summary, the available evidence is currently insufficient to determine the role of this variant in disease. Therefore, it has been classified as a Variant of Uncertain Significance.

Ambry Genetics
Classification: Uncertain significance for Cardiovascular phenotype; Hereditary cancer-predisposing syndrome. Last evaluated: 2025-09-24. Review status: criteria provided, single submitter. Criteria: Ambry Variant Classification Scheme 2023. Collection method: clinical testing. Allele origin: germline.
Comment: The p.Q653R variant (also known as c.1958A>G), located in coding exon 17 of the LZTR1 gene, results from an A to G substitution at nucleotide position 1958. The glutamine at codon 653 is replaced by arginine, an amino acid with highly similar properties. This amino acid position is conserved. In addition, the in silico prediction for this alteration is inconclusive. Based on the available evidence, the clinical significance of this variant remains unclear.

Women's Health and Genetics/Laboratory Corporation of America, LabCorp
Classification: Uncertain significance. Last evaluated: 2023-02-10. Review status: criteria provided, single submitter. Criteria: LabCorp Variant Classification Summary - May 2015. Collection method: clinical testing. Allele origin: germline.

NM_006767.4(LZTR1):c.1958A>G (p.Gln653Arg)

Gene: LZTR1 (leucine zipper like post translational regulator 1; plus strand). Cytogenetic location: 22q11.21.
Variant type: single nucleotide variant.
Coding change: c.1958A>G on transcript NM_006767.4 (MANE Select); coding-DNA position 1958, A replaced by G.
Protein change: p.Gln653Arg; replaces glutamine 653 with arginine.
Molecular consequence: missense variant.
Genome position (GRCh38, 1-based): chr22:20,995,761, A>G. VCF-style: chr22-20995761-A-G. GRCh37 (hg19) VCF-style: chr22-21350050-A-G.
Other names: c.1958A>G (NM_006767.3); short protein forms Q653R.
Identifiers: ClinVar variation 2445777 (VCV002445777.6), dbSNP rs2518623780, ClinGen allele CA410778952.